The following is an entry in ClinVar:

ClinVar aggregate classification (germline): Conflicting classifications of pathogenicity. Review status: criteria provided, conflicting classifications (1 of 4 stars). 2 submissions from 2 submitters: Uncertain significance (1); Likely benign (1). Last evaluated 2025-07-08.

Conditions:
PRRT2-Related Disorder. Also called: PRRT2-related disorders. Identifiers: MedGen CN381059.

Submissions (2):

PreventionGenetics, part of Exact Sciences
Classification: Uncertain significance for PRRT2-related condition. Last evaluated: 2025-07-08. Review status: criteria provided, single submitter. Criteria: ACMG Guidelines, 2015. Collection method: clinical testing. Allele origin: germline.
Comment: The PRRT2 c.1123C>G variant is predicted to result in the amino acid substitution p.Leu375Val. To our knowledge, this variant has not been reported in the literature. This variant is reported in 0.020% of alleles in individuals of African descent in gnomAD v2.1.1, but has a lower frequency in the larger gnomAD v4.1.0 database of 0.007% with only 5 alleles out of ~1.6 million. At this time, the clinical significance of this variant is uncertain due to the absence of conclusive functional and genetic evidence.

Women's Health and Genetics/Laboratory Corporation of America, LabCorp
Classification: Likely benign. Last evaluated: 2025-06-27. Review status: criteria provided, single submitter. Criteria: LabCorp Variant Classification Summary - May 2015. Collection method: clinical testing. Allele origin: germline.
Comment: Variant summary: PRRT2 c.1013-52C>G is located at a position not widely known to affect splicing. Consensus agreement among computation tools predict no significant impact on normal splicing. However, these predictions have yet to be confirmed by functional studies. The variant allele was found at a frequency of 1.6e-05 in 247640 control chromosomes. The available data on variant occurrences in the general population are insufficient to allow any conclusion about variant significance. To our knowledge, no occurrence of c.1013-52C>G in individuals affected with Episodic Kinesigenic Dyskinesia 1 and no experimental evidence demonstrating its impact on protein function have been reported. No submitters have cited clinical-significance assessments for this variant to ClinVar. Based on the evidence outlined above, the variant was classified as likely benign.

NM_145239.3(PRRT2):c.1013-52C>G

Genes: MVP-DT (MVP divergent transcript; minus strand), PRRT2 (proline rich transmembrane protein 2; plus strand). Cytogenetic location: 16p11.2.
Variant type: single nucleotide variant.
Coding change: c.1013-52C>G on transcript NM_145239.3 (MANE Select); 52 bases into the intron before coding-DNA position 1013, C replaced by G.
Molecular consequence: intron variant. On other transcripts: missense variant (1), 3 prime UTR variant (1).
Genome position (GRCh38, 1-based): chr16:29,814,576, C>G. VCF-style: chr16-29814576-C-G. GRCh37 (hg19) VCF-style: chr16-29825897-C-G.
Other names: c.1123C>G, p.Leu375Val (NM_001256442.2); c.*622C>G (NM_001256443.2); c.1123C>G (NM_001256442.1); short protein forms L375V.
Identifiers: ClinVar variation 3907136 (VCV003907136.2).